The following is an entry in ClinVar:

NM_014855.3(AP5Z1):c.2363_2374del (p.Pro788_Leu791del)

Gene: AP5Z1 (adaptor related protein complex 5 subunit zeta 1; plus strand). Cytogenetic location: 7p22.1.
Variant type: Deletion.
Coding change: c.2363_2374del on transcript NM_014855.3 (MANE Select); coding-DNA positions 2363 to 2374, 12 bases deleted (CCCTGGCCCTGC).
Protein change: p.Pro788_Leu791del.
Molecular consequence: inframe deletion. On other transcripts: non-coding transcript variant (1).
Genome position (GRCh38, 1-based): chr7:4,791,324-4,791,335, CCCTGGCCCTGC deleted; deleting any 12 consecutive bases within chr7:4,791,316-4,791,335 gives the same sequence; the c. name uses the placement nearest the transcript's 3' end. VCF-style (leftmost placement, unchanged base first): chr7-4791315-CGGCCCTGCCCCT-C. GRCh37 (hg19) VCF-style: chr7-4830946-CGGCCCTGCCCCT-C.
Other names: c.1895_1906del, p.Pro632_Leu635del (NM_001364858.1); c.2363_2374del (NM_014855.2).
Identifiers: ClinVar variation 1505563 (VCV001505563.7), dbSNP rs759647835, ClinGen allele CA4138448.

ClinVar aggregate classification (germline): Uncertain significance. Review status: criteria provided, multiple submitters, no conflicts (2 of 4 stars). 2 submissions from 2 submitters: Uncertain significance (2). Last evaluated 2024-04-24.

Conditions:
Hereditary spastic paraplegia 48. Also called: Spastic paraplegia 48; SPASTIC PARAPLEGIA 48, AUTOSOMAL RECESSIVE. Identifiers: Orphanet 306511, MedGen C3150901, MONDO:0013342, OMIM 613647.

Submissions (2):

Athena Diagnostics
Classification: Uncertain significance. Last evaluated: 2024-04-24. Review status: criteria provided, single submitter. Criteria: Athena Diagnostics Criteria. Collection method: clinical testing. Allele origin: unknown.

Labcorp Genetics (formerly Invitae), Labcorp
Classification: Uncertain significance for Hereditary spastic paraplegia 48. Last evaluated: 2021-08-24. Review status: criteria provided, single submitter. Criteria: Invitae Variant Classification Sherloc (09022015). Collection method: clinical testing. Allele origin: germline.
Comment: In summary, the available evidence is currently insufficient to determine the role of this variant in disease. Therefore, it has been classified as a Variant of Uncertain Significance. Experimental studies and prediction algorithms are not available or were not evaluated, and the functional significance of this variant is currently unknown. This variant has not been reported in the literature in individuals affected with AP5Z1-related conditions. This variant is present in population databases (rs759647835, ExAC 0.01%). This variant, c.2363_2374del, results in the deletion of 4 amino acid(s) of the AP5Z1 protein (p.Pro788_Leu791del), but otherwise preserves the integrity of the reading frame.